The following is an entry in ClinVar:

NM_001042492.3(NF1):c.6383dup (p.Asn2128fs)

Gene: NF1 (neurofibromin 1; plus strand). Cytogenetic location: 17q11.2.
Variant type: Duplication.
Coding change: c.6383dup on transcript NM_001042492.3 (MANE Select); coding-DNA position 6383, one base duplicated (A; older notation c.6383dupA).
Protein change: p.Asn2128fs; shifts the reading frame from asparagine 2128.
Molecular consequence: frameshift variant.
Genome position (GRCh38, 1-based): chr17:31,336,870, A duplicated; the last of 2 consecutive A bases (chr17:31,336,869-31,336,870); duplicating either gives the same sequence. VCF-style (leftmost placement, unchanged base first): chr17-31336868-T-TA. GRCh37 (hg19) VCF-style: chr17-29663886-T-TA.
Other names: c.6320dup, p.Asn2107Lysfs (NM_000267.4); short protein forms N2107fs, N2128fs.
Identifiers: ClinVar variation 2024369 (VCV002024369.4), dbSNP rs2508749930, ClinGen allele CA2580093330.

ClinVar aggregate classification (germline): Pathogenic (1 of 4 stars; one submission).

Conditions:
Neurofibromatosis, type 1 (NF1). Also called: NEUROFIBROMATOSIS, TYPE I, SOMATIC; Neurofibromatosis, type I; Peripheral type neurofibromatosis; VON RECKLINGHAUSEN DISEASE. Identifiers: Orphanet 636, MedGen C0027831, MONDO:0018975, OMIM 162200. Disease mechanism: loss of function.

Submission:

Labcorp Genetics (formerly Invitae), Labcorp
Classification: Pathogenic for Neurofibromatosis, type 1. Last evaluated: 2022-08-16. Review status: criteria provided, single submitter. Criteria: Invitae Variant Classification Sherloc (09022015). Collection method: clinical testing. Allele origin: germline.
Comment: For these reasons, this variant has been classified as Pathogenic. This variant has not been reported in the literature in individuals affected with NF1-related conditions. This variant is not present in population databases (gnomAD no frequency). This sequence change creates a premature translational stop signal (p.Asn2107Lysfs*15) in the NF1 gene. It is expected to result in an absent or disrupted protein product. Loss-of-function variants in NF1 are known to be pathogenic (PMID: 10712197, 23913538).

Literature cited by the submitters: PubMed 10712197; PubMed 23913538.